The following is an entry in ClinVar:

NM_005359.6(SMAD4):c.249+10A>G

Gene: SMAD4 (SMAD family member 4; plus strand). Cytogenetic location: 18q21.2.
Variant type: single nucleotide variant.
Coding change: c.249+10A>G on transcript NM_005359.6 (MANE Select); 10 bases into the intron after coding-DNA position 249, A replaced by G.
Molecular consequence: intron variant.
Genome position (GRCh38, 1-based): chr18:51,047,305, A>G. VCF-style: chr18-51047305-A-G. GRCh37 (hg19) VCF-style: chr18-48573675-A-G.
Identifiers: ClinVar variation 945445 (VCV000945445.10), dbSNP rs752243771, ClinGen allele CA1139666089.

ClinVar aggregate classification (germline): Likely benign. Review status: criteria provided, multiple submitters, no conflicts (2 of 4 stars). 2 submissions from 2 submitters: Likely benign (2). Last evaluated 2025-03-18.

Conditions:
Juvenile polyposis syndrome (JPS). Identifiers: Orphanet 2929, MedGen C0345893, MONDO:0017380, OMIM 174900.
Juvenile polyposis/hereditary hemorrhagic telangiectasia syndrome (JPHT). Also called: POLYPOSIS, GENERALIZED JUVENILE, WITH PULMONARY ARTERIOVENOUS MALFORMATION; TELANGIECTASIA, HEREDITARY HEMORRHAGIC, WITH JUVENILE POLYPOSIS COLI; Juvenile Polyposis Syndrome / Hereditary Hemorrhagic Telangiectasia (JPS/HHT); JP/HHT SYNDROME; JUVENILE POLYPOSIS WITH HEREDITARY HEMORRHAGIC TELANGIECTASIA. Identifiers: Orphanet 2929, MedGen C1832942, MONDO:0008278, OMIM 175050.

gnomAD v4.1: 3 of 1,610,444 alleles (0.00019%); highest among the groups gnomAD compares: East Asian, 0.0022%; no homozygotes.

Submissions (2):

Myriad Genetics, Inc.
Classification: Likely benign for Juvenile polyposis/hereditary hemorrhagic telangiectasia syndrome. Last evaluated: 2025-03-18. Review status: criteria provided, single submitter. Criteria: Myriad Autosomal Dominant, Autosomal Recessive and X-Linked Classification Criteria (2023). Collection method: clinical testing. Allele origin: unknown.
Comment: This variant is considered likely benign. This variant is intronic and is not expected to impact mRNA splicing.

Labcorp Genetics (formerly Invitae), Labcorp
Classification: Likely benign for Juvenile polyposis syndrome. Last evaluated: 2024-08-31. Review status: criteria provided, single submitter. Criteria: Invitae Variant Classification Sherloc (09022015). Collection method: clinical testing. Allele origin: germline.